The following is an entry in ClinVar:

ClinVar aggregate classification (germline): Uncertain significance (1 of 4 stars; one submission).

Allele frequency attached by ClinVar (database versions not stated): gnomAD exomes 0.00002.
gnomAD v4.1: 30 of 1,612,870 alleles (0.0019%); highest among the groups gnomAD compares: Non-Finnish European, 0.0025%; no homozygotes.

Submission:

Labcorp Genetics (formerly Invitae), Labcorp
Classification: Uncertain significance. Last evaluated: 2021-08-14. Review status: criteria provided, single submitter. Criteria: Invitae Variant Classification Sherloc (09022015). Collection method: clinical testing. Allele origin: germline.
Comment: This sequence change replaces arginine with threonine at codon 2848 of the SPEG protein (p.Arg2848Thr). The arginine residue is weakly conserved and there is a moderate physicochemical difference between arginine and threonine. This variant is not present in population databases (ExAC no frequency). This variant has not been reported in the literature in individuals affected with SPEG-related conditions. Algorithms developed to predict the effect of missense changes on protein structure and function (SIFT, PolyPhen-2, Align-GVGD) all suggest that this variant is likely to be tolerated. In summary, the available evidence is currently insufficient to determine the role of this variant in disease. Therefore, it has been classified as a Variant of Uncertain Significance.

NM_005876.5(SPEG):c.8543G>C (p.Arg2848Thr)

Genes: ASIC4-AS1 (ASIC4 antisense RNA 1; minus strand), SPEG (striated muscle enriched protein kinase; plus strand). Cytogenetic location: 2q35.
Variant type: single nucleotide variant.
Coding change: c.8543G>C on transcript NM_005876.5 (MANE Select); coding-DNA position 8543, G replaced by C.
Protein change: p.Arg2848Thr; replaces arginine 2848 with threonine.
Molecular consequence: missense variant.
Genome position (GRCh38, 1-based): chr2:219,489,561, G>C. VCF-style: chr2-219489561-G-C. GRCh37 (hg19) VCF-style: chr2-220354283-G-C.
Other names: short protein forms R2848T.
Identifiers: ClinVar variation 1480464 (VCV001480464.5), dbSNP rs2125592510, ClinGen allele CA350709309.
Genomic context (GRCh38, chr2:219,489,561, plus strand): 5'-CTAGCCAGGCCTTGTCCTCGCTCAAGGCTGTGGGTCCACCACCCCAAACCCCTCCACGAA[G>C]ACACAGGGGCCTGCAGGCTGCCCGGCCAGCGGAGCCCACCCTACCCAGTACCCACGTCAC-3'
Protein context (NP_005867.3, residues 2838-2858): VGPPPQTPPR[Arg2848Thr]HRGLQAARPA